The following is an entry in ClinVar:

NM_001286577.2(C2CD3):c.1117A>T (p.Lys373Ter)

Gene: C2CD3 (C2 domain containing 3 centriole elongation regulator; minus strand). Cytogenetic location: 11q13.4.
Variant type: single nucleotide variant.
Coding change: c.1117A>T on transcript NM_001286577.2 (MANE Select); coding-DNA position 1117, A replaced by T.
Protein change: p.Lys373Ter; replaces lysine 373 with a stop codon.
Molecular consequence: nonsense.
Genome position (GRCh38, 1-based): chr11:74,132,944, T>A on the plus strand (A>T on the coding strand, the complement: C2CD3 is on the minus strand). VCF-style: chr11-74132944-T-A. GRCh37 (hg19) VCF-style: chr11-73843989-T-A.
Other names: c.1117A>T, p.Lys373Ter (NM_015531.6); short protein forms K373*.
Identifiers: ClinVar variation 3728737 (VCV003728737.2).
Genomic context (GRCh38, chr11:74,132,944, plus strand): 5'-TGTCATGTCTCCAAAATGTATTCTCAGTTGAAGGGAGGAGGTGATCTTCAATGTGGTCTT[T>A]AAACCGATTCCTAGAAAAGGCTCTGATCCTAAGGTGTGGAAAAATACTTTCTCACTGAGT-3'

ClinVar aggregate classification (germline): Pathogenic (1 of 4 stars; one submission).

Submission:

Labcorp Genetics (formerly Invitae), Labcorp
Classification: Pathogenic. Last evaluated: 2025-01-08. Review status: criteria provided, single submitter. Criteria: Invitae Variant Classification Sherloc (09022015). Collection method: clinical testing. Allele origin: germline.
Comment: This sequence change creates a premature translational stop signal (p.Lys373*) in the C2CD3 gene. It is expected to result in an absent or disrupted protein product. Loss-of-function variants in C2CD3 are known to be pathogenic (PMID: 24997988, 26477546). This variant is not present in population databases (gnomAD no frequency). This variant has not been reported in the literature in individuals affected with C2CD3-related conditions. For these reasons, this variant has been classified as Pathogenic.

Literature cited by the submitters: PubMed 24997988; PubMed 26477546.